The following is an entry in ClinVar:

NM_000181.4(GUSB):c.896A>G (p.Tyr299Cys)

Gene: GUSB (glucuronidase beta; minus strand). Cytogenetic location: 7q11.21.
Variant type: single nucleotide variant.
Coding change: c.896A>G on transcript NM_000181.4 (MANE Select); coding-DNA position 896, A replaced by G.
Protein change: p.Tyr299Cys; replaces tyrosine 299 with cysteine.
Molecular consequence: missense variant. On other transcripts: non-coding transcript variant (1), intron variant (1).
Genome position (GRCh38, 1-based): chr7:65,976,031, T>C on the plus strand (A>G on the coding strand, the complement: GUSB is on the minus strand). VCF-style: chr7-65976031-T-C. GRCh37 (hg19) VCF-style: chr7-65441018-T-C.
Other names: c.326A>G, p.Tyr109Cys (NM_001293104.2); c.239A>G, p.Tyr80Cys (NM_001293105.2); c.475-960A>G (NM_001284290.2); short protein forms Y109C, Y299C, Y80C.
Identifiers: ClinVar variation 1699758 (VCV001699758.4), dbSNP rs1271320539, ClinGen allele CA367645778.

ClinVar aggregate classification (germline): Uncertain significance. Review status: criteria provided, multiple submitters, no conflicts (2 of 4 stars). 2 submissions from 2 submitters: Uncertain significance (2). Last evaluated 2023-06-21.

Conditions:
Mucopolysaccharidosis type 7 (MPS7). Also called: SLY SYNDROME; BETA-GLUCURONIDASE DEFICIENCY; GUSB DEFICIENCY; MPS VII. Identifiers: Orphanet 584, MedGen C0085132, MONDO:0009662, OMIM 253220.

Allele frequency attached by ClinVar (database versions not stated): gnomAD exomes below 0.00001 and 0.00001.
gnomAD v4.1: 12 of 1,613,640 alleles (0.00074%); highest among the groups gnomAD compares: Non-Finnish European, 0.001%; no homozygotes.

Submissions (2):

Revvity Omics, Revvity
Classification: Uncertain significance for Mucopolysaccharidosis type 7. Last evaluated: 2023-06-21. Review status: criteria provided, single submitter. Criteria: ACMG Guidelines, 2015. Collection method: clinical testing. Allele origin: germline.

GeneDx
Classification: Uncertain significance. Last evaluated: 2022-01-28. Review status: criteria provided, single submitter. Criteria: GeneDx Variant Classification Process June 2021. Collection method: clinical testing. Allele origin: germline. Affected: yes.
Comment: Has not been previously published as pathogenic or benign to our knowledge; Not observed at significant frequency in large population cohorts (gnomAD); In silico analysis supports that this missense variant has a deleterious effect on protein structure/function